The following is an entry in ClinVar:

ClinVar aggregate classification (germline): Uncertain significance (1 of 4 stars; one submission).

Allele frequency attached by ClinVar (database versions not stated): gnomAD exomes below 0.00001.
gnomAD v4.1: 1 of 1,614,030 alleles (0.000062%); highest among the groups gnomAD compares: Non-Finnish European, 0.000085%; no homozygotes.

Submission:

Labcorp Genetics (formerly Invitae), Labcorp
Classification: Uncertain significance. Last evaluated: 2022-03-11. Review status: criteria provided, single submitter. Criteria: Invitae Variant Classification Sherloc (09022015). Collection method: clinical testing. Allele origin: germline.
Comment: This variant has not been reported in the literature in individuals affected with MBTPS1-related conditions. In summary, the available evidence is currently insufficient to determine the role of this variant in disease. Therefore, it has been classified as a Variant of Uncertain Significance. Algorithms developed to predict the effect of missense changes on protein structure and function (SIFT, PolyPhen-2, Align-GVGD) all suggest that this variant is likely to be tolerated. This variant is not present in population databases (gnomAD no frequency). This sequence change replaces phenylalanine, which is neutral and non-polar, with leucine, which is neutral and non-polar, at codon 1017 of the MBTPS1 protein (p.Phe1017Leu).

NM_003791.4(MBTPS1):c.3049T>C (p.Phe1017Leu)

Gene: MBTPS1 (membrane bound transcription factor peptidase, site 1; minus strand). Cytogenetic location: 16q23.3.
Variant type: single nucleotide variant.
Coding change: c.3049T>C on transcript NM_003791.4 (MANE Select); coding-DNA position 3049, T replaced by C.
Protein change: p.Phe1017Leu; replaces phenylalanine 1017 with leucine.
Molecular consequence: missense variant.
Genome position (GRCh38, 1-based): chr16:84,054,559, A>G on the plus strand (T>C on the coding strand, the complement: MBTPS1 is on the minus strand). VCF-style: chr16-84054559-A-G. GRCh37 (hg19) VCF-style: chr16-84088164-A-G.
Other names: short protein forms F1017L.
Identifiers: ClinVar variation 2108917 (VCV002108917.4), dbSNP rs2507704984, ClinGen allele CA396923873.
Genomic context (GRCh38, chr16:84,054,559, plus strand): 5'-GCTTCACCCTGGGCTTCCTCCGCTTCGGCCTGCTCTTGGCCTTGTTGATTTGTACCACAA[A>G]GAAGGCCAGGACCACCATGGCTCCCAGGAAGGCAAAGACAGGAATGGTCTGGCCCACCTC-3'
Protein context (NP_003782.1, residues 1007-1027): FLGAMVVLAF[Phe1017Leu]VVQINKAKSR